The following is an entry in ClinVar:

ClinVar aggregate classification (germline): Benign. Review status: criteria provided, multiple submitters, no conflicts (2 of 4 stars). 4 submissions from 4 submitters: Benign (4). Last evaluated 2026-02-04.

Conditions:
MHC class I deficiency. Identifiers: Orphanet 34592, MedGen C6024714, MONDO:0011476.

Allele frequency attached by ClinVar (database versions not stated): 1000 Genomes Project 30x 0.24079; ESP Exome Variant Server 0.24277; TOPMed 0.25460; gnomAD 0.24300 and 0.24489; 1000 Genomes Project 0.24421; gnomAD exomes 0.25800 and 0.23891; ExAC 0.25456.
gnomAD v4.1: 386,138 of 1,611,722 alleles (24%); highest among the groups gnomAD compares: Admixed American, 35%; 47,782 homozygotes.

Submissions (14):

Labcorp Genetics (formerly Invitae), Labcorp
Classification: Benign for MHC class I deficiency 1. Last evaluated: 2026-02-04. Review status: criteria provided, single submitter. Criteria: Invitae Variant Classification Sherloc (09022015). Collection method: clinical testing. Allele origin: germline.

Women's Health and Genetics/Laboratory Corporation of America, LabCorp
Classification: Benign. Last evaluated: 2026-01-21. Review status: criteria provided, single submitter. Criteria: LabCorp Variant Classification Summary - May 2015. Collection method: clinical testing. Allele origin: germline.

Genome-Nilou Lab
Classification: Benign for MHC class I deficiency 1. Last evaluated: 2021-07-15. Review status: criteria provided, single submitter. Criteria: ACMG Guidelines, 2015. Collection method: clinical testing. Allele origin: germline. Affected: no.

Center for Genomics, Ann and Robert H. Lurie Children's Hospital of Chicago
Classification: Benign for MHC class I deficiency 1. Last evaluated: 2018-05-24. Review status: criteria provided, single submitter. Criteria: ACMG Guidelines, 2015. Collection method: clinical testing. Allele origin: germline.
Comment: TAP2 NM_000544.3 exon 7 p.Gly386= (c.1158G>T): This variant is present at an overall frequency of 25.4% in the gnomAD database and does not cause a protein coding change. Therefore, the classification of this variant is benign.

Dr. Peter K. Rogan Lab, Western University
No classification provided (evidence only). Condition: Malignant lymphoma, large B-cell, diffuse. Review status: no classification provided. Collection method: in vitro. Allele origin: not applicable. Functional consequence: retained intron. Not counted in ClinVar's aggregate classification.

Dr. Peter K. Rogan Lab, Western University
No classification provided (evidence only). Condition: Malignant lymphoma, large B-cell, diffuse. Review status: no classification provided. Collection method: in vitro. Allele origin: not applicable. Functional consequence: retained intron. Not counted in ClinVar's aggregate classification.

Dr. Peter K. Rogan Lab, Western University
No classification provided (evidence only). Condition: Malignant lymphoma, large B-cell, diffuse. Review status: no classification provided. Collection method: in vitro. Allele origin: not applicable. Functional consequence: retained intron. Not counted in ClinVar's aggregate classification.

Dr. Peter K. Rogan Lab, Western University
No classification provided (evidence only). Condition: Malignant lymphoma, large B-cell, diffuse. Review status: no classification provided. Collection method: in vitro. Allele origin: not applicable. Functional consequence: retained intron. Not counted in ClinVar's aggregate classification.

Dr. Peter K. Rogan Lab, Western University
No classification provided (evidence only). Condition: Malignant lymphoma, large B-cell, diffuse. Review status: no classification provided. Collection method: in vitro. Allele origin: not applicable. Functional consequence: retained intron. Not counted in ClinVar's aggregate classification.

Dr. Peter K. Rogan Lab, Western University
No classification provided (evidence only). Condition: Malignant lymphoma, large B-cell, diffuse. Review status: no classification provided. Collection method: in vitro. Allele origin: not applicable. Functional consequence: retained intron. Not counted in ClinVar's aggregate classification.

Dr. Peter K. Rogan Lab, Western University
No classification provided (evidence only). Condition: Malignant lymphoma, large B-cell, diffuse. Review status: no classification provided. Collection method: in vitro. Allele origin: not applicable. Functional consequence: retained intron. Not counted in ClinVar's aggregate classification.

Dr. Peter K. Rogan Lab, Western University
No classification provided (evidence only). Condition: Malignant lymphoma, large B-cell, diffuse. Review status: no classification provided. Collection method: in vitro. Allele origin: not applicable. Functional consequence: retained intron. Not counted in ClinVar's aggregate classification.

Dr. Peter K. Rogan Lab, Western University
No classification provided (evidence only). Condition: Malignant lymphoma, large B-cell, diffuse. Review status: no classification provided. Collection method: in vitro. Allele origin: not applicable. Functional consequence: retained intron. Not counted in ClinVar's aggregate classification.

Dr. Peter K. Rogan Lab, Western University
No classification provided (evidence only). Condition: Malignant lymphoma, large B-cell, diffuse. Review status: no classification provided. Collection method: in vitro. Allele origin: not applicable. Functional consequence: retained intron. Not counted in ClinVar's aggregate classification.

NM_001290043.2(TAP2):c.1158G>T (p.Gly386=)

Gene: TAP2 (transporter 2, ATP binding cassette subfamily B member; minus strand). Cytogenetic location: 6p21.32.
Variant type: single nucleotide variant.
Coding change: c.1158G>T on transcript NM_001290043.2 (MANE Select); coding-DNA position 1158, G replaced by T.
Protein change: p.Gly386=; no amino-acid change (glycine 386 retained).
Molecular consequence: synonymous variant.
Genome position (GRCh38, 1-based): chr6:32,832,447, C>A on the plus strand (G>T on the coding strand, the complement: TAP2 is on the minus strand). VCF-style: chr6-32832447-C-A. GRCh37 (hg19) VCF-style: chr6-32800224-C-A.
Other names: c.1158G>T, p.Gly386= (NM_000544.3, NM_018833.3).
Identifiers: ClinVar variation 626026 (VCV000626026.16), dbSNP rs2228397, ClinGen allele CA3745973.